The following is an entry in ClinVar:

ClinVar aggregate classification (germline): Likely benign. Review status: criteria provided, multiple submitters, no conflicts (2 of 4 stars). 2 submissions from 2 submitters: Likely benign (2). Last evaluated 2026-01-06.

Conditions:
RASopathy. Also called: rasopathies; Noonan spectrum disorder. Identifiers: Orphanet 536391, MedGen C5555857, MONDO:0021060.

Submissions (2):

Labcorp Genetics (formerly Invitae), Labcorp
Classification: Likely benign for RASopathy. Last evaluated: 2026-01-06. Review status: criteria provided, single submitter. Criteria: Invitae Variant Classification Sherloc (09022015). Collection method: clinical testing. Allele origin: germline.

Women's Health and Genetics/Laboratory Corporation of America, LabCorp
Classification: Likely benign. Last evaluated: 2020-11-16. Review status: criteria provided, single submitter. Criteria: LabCorp Variant Classification Summary - May 2015. Collection method: clinical testing. Allele origin: germline.
Comment: Variant summary: MAP2K1 c.291+17T>C alters a non-conserved nucleotide located in a polymorphic region and close to a canonical splice site. Therefore, it could affect mRNA splicing, leading to a significantly altered protein sequence. 4/4 computational tools predict no significant impact on normal splicing. However, these predictions have yet to be confirmed by functional studies. The variant was absent in 251074 control chromosomes (gnomAD). The available data on variant occurrences in the general population are insufficient to allow any conclusion about variant significance. To our knowledge, no occurrence of c.291+17T>C in individuals affected with Cardiofaciocutaneous Syndrome and no experimental evidence demonstrating its impact on protein function have been reported. No clinical diagnostic laboratories have submitted clinical-significance assessments for this variant to ClinVar after 2014. Based on the evidence outlined above, the variant was classified as likely benign.

NM_002755.4(MAP2K1):c.291+17T>C

Gene: MAP2K1 (mitogen-activated protein kinase kinase 1; plus strand). Cytogenetic location: 15q22.31.
Variant type: single nucleotide variant.
Coding change: c.291+17T>C on transcript NM_002755.4 (MANE Select); 17 bases into the intron after coding-DNA position 291, T replaced by C.
Molecular consequence: intron variant.
Genome position (GRCh38, 1-based): chr15:66,435,254, T>C. VCF-style: chr15-66435254-T-C. GRCh37 (hg19) VCF-style: chr15-66727592-T-C.
Identifiers: ClinVar variation 987854 (VCV000987854.8), dbSNP rs1294983448, ClinGen allele CA715007405.